The following is an entry in ClinVar:

ClinVar aggregate classification (germline): Uncertain significance (1 of 4 stars; one submission).

gnomAD v4.1: 2 of 1,468,166 alleles (0.00014%); highest among the groups gnomAD compares: African/African-American, 0.0029%; no homozygotes.

Submission:

Labcorp Genetics (formerly Invitae), Labcorp
Classification: Uncertain significance. Last evaluated: 2025-01-07. Review status: criteria provided, single submitter. Criteria: Invitae Variant Classification Sherloc (09022015). Collection method: clinical testing. Allele origin: germline.
Comment: This sequence change replaces aspartic acid, which is acidic and polar, with glutamic acid, which is acidic and polar, at codon 59 of the ARIH1 protein (p.Asp59Glu). This variant is not present in population databases (gnomAD no frequency). This variant has not been reported in the literature in individuals affected with ARIH1-related conditions. Experimental studies and prediction algorithms are not available or were not evaluated, and the functional significance of this variant is currently unknown. In summary, the available evidence is currently insufficient to determine the role of this variant in disease. Therefore, it has been classified as a Variant of Uncertain Significance.

NM_005744.5(ARIH1):c.177C>A (p.Asp59Glu)

Gene: ARIH1 (ariadne RBR E3 ubiquitin protein ligase 1; plus strand). Cytogenetic location: 15q24.1.
Variant type: single nucleotide variant.
Coding change: c.177C>A on transcript NM_005744.5 (MANE Select); coding-DNA position 177, C replaced by A.
Protein change: p.Asp59Glu; replaces aspartic acid 59 with glutamic acid.
Molecular consequence: missense variant.
Genome position (GRCh38, 1-based): chr15:72,474,816, C>A. VCF-style: chr15-72474816-C-A. GRCh37 (hg19) VCF-style: chr15-72767157-C-A.
Other names: short protein forms D59E.
Identifiers: ClinVar variation 3701110 (VCV003701110.2).